The following is an entry in ClinVar:

NM_003801.4(GPAA1):c.920G>A (p.Gly307Asp)

Gene: GPAA1 (glycosylphosphatidylinositol anchor attachment 1; plus strand). Cytogenetic location: 8q24.3.
Variant type: single nucleotide variant.
Coding change: c.920G>A on transcript NM_003801.4 (MANE Select); coding-DNA position 920, G replaced by A.
Protein change: p.Gly307Asp; replaces glycine 307 with aspartic acid.
Molecular consequence: missense variant.
Genome position (GRCh38, 1-based): chr8:144,084,519, G>A. VCF-style: chr8-144084519-G-A. GRCh37 (hg19) VCF-style: chr8-145139422-G-A.
Other names: short protein forms G307D.
Identifiers: ClinVar variation 2477259 (VCV002477259.2), dbSNP rs2537316346, ClinGen allele CA372498922.

ClinVar aggregate classification (germline): Uncertain significance (1 of 4 stars; one submission).

Conditions:
Inborn genetic diseases. Identifiers: MedGen C0950123, MeSH D030342.

Submission:

Ambry Genetics
Classification: Uncertain significance for Inborn genetic diseases. Last evaluated: 2023-02-27. Review status: criteria provided, single submitter. Criteria: Ambry Variant Classification Scheme 2023. Collection method: clinical testing. Allele origin: germline.
Comment: The c.920G>A (p.G307D) alteration is located in exon 7 (coding exon 7) of the GPAA1 gene. This alteration results from a G to A substitution at nucleotide position 920, causing the glycine (G) at amino acid position 307 to be replaced by an aspartic acid (D). This variant was not reported in population-based cohorts in the Genome Aggregation Database (gnomAD). This amino acid position is highly conserved in available vertebrate species. This alteration is predicted to be deleterious by in silico analysis. Based on insufficient or conflicting evidence, the clinical significance of this alteration remains unclear.